The following is an entry in ClinVar:

NM_005909.5(MAP1B):c.6579C>T (p.Val2193=)

Gene: MAP1B (microtubule associated protein 1B; plus strand). Cytogenetic location: 5q13.2.
Variant type: single nucleotide variant.
Coding change: c.6579C>T on transcript NM_005909.5 (MANE Select); coding-DNA position 6579, C replaced by T.
Protein change: p.Val2193=; no amino-acid change (valine 2193 retained).
Molecular consequence: synonymous variant.
Genome position (GRCh38, 1-based): chr5:72,199,934, C>T. VCF-style: chr5-72199934-C-T. GRCh37 (hg19) VCF-style: chr5-71495761-C-T.
Other names: c.6201C>T, p.Val2067= (NM_001324255.2).
Identifiers: ClinVar variation 4987929 (VCV004987929.1).

ClinVar aggregate classification (germline): Likely benign (1 of 4 stars; one submission).

Conditions:
MAP1B-related disorder. Also called: MAP1B-related condition.

gnomAD v4.1: 16 of 1,614,088 alleles (0.00099%); highest among the groups gnomAD compares: Non-Finnish European, 0.0014%; no homozygotes.

Submission:

PreventionGenetics, part of Exact Sciences
Classification: Likely benign for MAP1B-related condition. Last evaluated: 2025-07-20. Review status: criteria provided, single submitter. Criteria: ACMG Guidelines, 2015. Collection method: clinical testing. Allele origin: germline.
Comment: This variant is classified as likely benign based on ACMG/AMP sequence variant interpretation guidelines (Richards et al. 2015 PMID: 25741868, with internal and published modifications).